The following is an entry in ClinVar:

ClinVar aggregate classification (germline): Pathogenic (1 of 4 stars; one submission).

Conditions:
Fraser syndrome 1 (FRASRS1). Also called: CRYPTOPHTHALMOS WITH OTHER MALFORMATIONS. Identifiers: Orphanet 2052, MedGen C4551480, MONDO:0054737, OMIM 219000.

Submission:

Service de Biochimie Médicale et Biologie Moléculaire, CHU Clermont-Ferrand
Classification: Pathogenic for Fraser syndrome 1. Last evaluated: 2018-09-14. Review status: criteria provided, single submitter. Criteria: ACMG Guidelines, 2015. Collection method: clinical testing. Allele origin: inherited. Inheritance: Autosomal recessive inheritance. Affected: yes.
Comment: This variant in homozygous state or compound heterozygous state induced Fraser syndrome phenotype

NM_025074.7(FRAS1):c.5952dup (p.Asp1985fs)

Gene: FRAS1 (Fraser extracellular matrix complex subunit 1; plus strand). Cytogenetic location: 4q21.21.
Variant type: Duplication.
Coding change: c.5952dup on transcript NM_025074.7 (MANE Select); coding-DNA position 5952, one base duplicated (A; older notation c.5952dupA).
Protein change: p.Asp1985fs; shifts the reading frame from aspartic acid 1985.
Molecular consequence: frameshift variant.
Genome position (GRCh38, 1-based): chr4:78,446,822, A duplicated; the last of 2 consecutive A bases (chr4:78,446,821-78,446,822); duplicating either gives the same sequence. VCF-style (leftmost placement, unchanged base first): chr4-78446820-C-CA. GRCh37 (hg19) VCF-style: chr4-79367974-C-CA.
Other names: short protein forms D1985fs.
Identifiers: ClinVar variation 916664 (VCV000916664.1), dbSNP rs1718847595, ClinGen allele CA1139658529.